The following is an entry in ClinVar:

NM_000324.3(RHAG):c.1075G>A (p.Ala359Thr)

Gene: RHAG (Rh associated glycoprotein; minus strand). Cytogenetic location: 6p12.3.
Variant type: single nucleotide variant.
Coding change: c.1075G>A on transcript NM_000324.3 (MANE Select); coding-DNA position 1075, G replaced by A.
Protein change: p.Ala359Thr; replaces alanine 359 with threonine.
Molecular consequence: missense variant.
Genome position (GRCh38, 1-based): chr6:49,607,213, C>T on the plus strand (G>A on the coding strand, the complement: RHAG is on the minus strand). VCF-style: chr6-49607213-C-T. GRCh37 (hg19) VCF-style: chr6-49574926-C-T.
Other names: short protein forms A359T.
Identifiers: ClinVar variation 4691134 (VCV004691134.1).

ClinVar aggregate classification (germline): Uncertain significance (1 of 4 stars; one submission).

gnomAD v4.1: 2 of 1,613,024 alleles (0.00012%); highest among the groups gnomAD compares: Non-Finnish European, 0.00017%; no homozygotes.

Submission:

Labcorp Genetics (formerly Invitae), Labcorp
Classification: Uncertain significance. Last evaluated: 2025-07-23. Review status: criteria provided, single submitter. Criteria: Invitae Variant Classification Sherloc (09022015). Collection method: clinical testing. Allele origin: germline.
Comment: This sequence change replaces alanine, which is neutral and non-polar, with threonine, which is neutral and polar, at codon 359 of the RHAG protein (p.Ala359Thr). This variant is not present in population databases (gnomAD no frequency). This variant has not been reported in the literature in individuals affected with RHAG-related conditions. Invitae Evidence Modeling of protein sequence and biophysical properties (such as structural, functional, and spatial information, amino acid conservation, physicochemical variation, residue mobility, and thermodynamic stability) indicates that this missense variant is not expected to disrupt RHAG protein function with a negative predictive value of 80%. In summary, the available evidence is currently insufficient to determine the role of this variant in disease. Therefore, it has been classified as a Variant of Uncertain Significance.